The following is an entry in ClinVar:

ClinVar aggregate classification (germline): Uncertain significance (1 of 4 stars; one submission).

Submission:

Labcorp Genetics (formerly Invitae), Labcorp
Classification: Uncertain significance. Last evaluated: 2022-09-19. Review status: criteria provided, single submitter. Criteria: Invitae Variant Classification Sherloc (09022015). Collection method: clinical testing. Allele origin: germline.
Comment: In summary, the available evidence is currently insufficient to determine the role of this variant in disease. Therefore, it has been classified as a Variant of Uncertain Significance. Algorithms developed to predict the effect of missense changes on protein structure and function (SIFT, PolyPhen-2, Align-GVGD) all suggest that this variant is likely to be tolerated. This variant has not been reported in the literature in individuals affected with MSH3-related conditions. This variant is not present in population databases (gnomAD no frequency). This sequence change replaces lysine, which is basic and polar, with arginine, which is basic and polar, at codon 517 of the MSH3 protein (p.Lys517Arg).

NM_002439.5(MSH3):c.1550A>G (p.Lys517Arg)

Gene: MSH3 (mutS homolog 3; plus strand). Cytogenetic location: 5q14.1.
Variant type: single nucleotide variant.
Coding change: c.1550A>G on transcript NM_002439.5 (MANE Select); coding-DNA position 1550, A replaced by G.
Protein change: p.Lys517Arg; replaces lysine 517 with arginine.
Molecular consequence: missense variant.
Genome position (GRCh38, 1-based): chr5:80,728,947, A>G. VCF-style: chr5-80728947-A-G. GRCh37 (hg19) VCF-style: chr5-80024766-A-G.
Other names: short protein forms K517R.
Identifiers: ClinVar variation 1719750 (VCV001719750.5), dbSNP rs2546754703, ClinGen allele CA360274350.
Genomic context (GRCh38, chr5:80,728,947, plus strand): 5'-AGCCTGTGATTTGCTCTTTGGCTGCCATCATAAAATACCTCAAAGAATTCAACTTGGAAA[A>G]GATGCTCTCCAAACCTGAGTAAGTGATTCCTCCAAAATTAAAAAAAGGGGGAGCTTATAT-3'
Protein context (NP_002430.3, residues 507-527): IKYLKEFNLE[Lys517Arg]MLSKPENFKQ